The following is an entry in ClinVar:

NM_000256.3(MYBPC3):c.271G>A (p.Asp91Asn)

Gene: MYBPC3 (myosin binding protein C3; minus strand). Cytogenetic location: 11p11.2.
Variant type: single nucleotide variant.
Coding change: c.271G>A on transcript NM_000256.3 (MANE Select); coding-DNA position 271, G replaced by A.
Protein change: p.Asp91Asn; replaces aspartic acid 91 with asparagine.
Molecular consequence: missense variant.
Genome position (GRCh38, 1-based): chr11:47,351,260, C>T on the plus strand (G>A on the coding strand, the complement: MYBPC3 is on the minus strand). VCF-style: chr11-47351260-C-T. GRCh37 (hg19) VCF-style: chr11-47372811-C-T.
Other names: c.271G>A, p.Asp91Asn (LRG_386t1); short protein forms D91N.
Identifiers: ClinVar variation 665566 (VCV000665566.14), dbSNP rs778851720, ClinGen allele CA051307.

ClinVar aggregate classification (germline): Conflicting classifications of pathogenicity. Review status: criteria provided, conflicting classifications (1 of 4 stars). 5 submissions from 5 submitters: Uncertain significance (4); Likely benign (1). Last evaluated 2026-08-06.

Conditions:
Left ventricular noncompaction 10 (LVNC10). Identifiers: Orphanet 154, Orphanet 54260, MedGen C3715165, MONDO:0014163, OMIM 615396.
Hypertrophic cardiomyopathy 4. Also called: Familial hypertrophic cardiomyopathy 4. Identifiers: MedGen C1861862, MONDO:0007268, OMIM 115197.
Hypertrophic cardiomyopathy. Also called: HYPERTROPHIC MYOCARDIOPATHY. Identifiers: Orphanet 217569, MedGen C0007194, MeSH D002312, MONDO:0005045, HP:0001639.
Cardiovascular phenotype. Identifiers: MedGen CN230736.

Allele frequency attached by ClinVar (database versions not stated): TOPMed below 0.00001; gnomAD 0.00001; gnomAD exomes 0.00001; ExAC 0.00005.

Submissions (5):

Ambry Genetics
Classification: Likely benign for Cardiovascular phenotype. Last evaluated: 2026-08-06. Review status: criteria provided, single submitter. Criteria: Ambry Variant Classification Scheme 2023. Collection method: clinical testing. Allele origin: germline.

Labcorp Genetics (formerly Invitae), Labcorp
Classification: Uncertain significance for Hypertrophic cardiomyopathy. Last evaluated: 2025-09-20. Review status: criteria provided, single submitter. Criteria: Invitae Variant Classification Sherloc (09022015). Collection method: clinical testing. Allele origin: germline.
Comment: This sequence change replaces aspartic acid, which is acidic and polar, with asparagine, which is neutral and polar, at codon 91 of the MYBPC3 protein (p.Asp91Asn). The frequency data for this variant in the population databases is considered unreliable, as metrics indicate poor data quality at this position in the gnomAD database. This variant has not been reported in the literature in individuals affected with MYBPC3-related conditions. ClinVar contains an entry for this variant (Variation ID: 665566). An algorithm developed to predict the effect of missense changes on protein structure and function (PolyPhen-2) suggests that this variant is likely to be disruptive. In summary, the available evidence is currently insufficient to determine the role of this variant in disease. Therefore, it has been classified as a Variant of Uncertain Significance.

All of Us Research Program, National Institutes of Health
Classification: Uncertain significance for Hypertrophic cardiomyopathy. Last evaluated: 2023-08-28. Review status: criteria provided, single submitter. Criteria: ACMG Guidelines, 2015. Collection method: clinical testing. Allele origin: germline. Inheritance: Autosomal dominant inheritance. Observed: 3 variant alleles, 3 heterozygotes.
Comment: This missense variant replaces aspartic acid with asparagine at codon 91 of the MYBPC3 protein. Computational prediction suggests that this variant may not impact protein structure and function (internally defined REVEL score threshold <= 0.5, PMID: 27666373). To our knowledge, functional studies have not been reported for this variant. This variant has not been reported in individuals affected with MYBPC3-related disorders in the literature. This variant has been identified in 2/173182 chromosomes in the general population by the Genome Aggregation Database (gnomAD). The available evidence is insufficient to determine the role of this variant in disease conclusively. Therefore, this variant is classified as a Variant of Uncertain Significance.

This study involves interpretation of variants in research participants for the purpose of population health screening. Participant phenotype was not available at the time of variant classification. Additional details can be found in publication PMID: 35346344, PMCID: PMC8962531

Fulgent Genetics
Classification: Uncertain significance for Hypertrophic cardiomyopathy 4; Left ventricular noncompaction 10. Last evaluated: 2021-09-14. Review status: criteria provided, single submitter. Criteria: ACMG Guidelines, 2015. Collection method: clinical testing. Allele origin: unknown.

Greenwood Genetic Center Diagnostic Laboratories, Greenwood Genetic Center
Classification: Uncertain significance. Last evaluated: 2021-08-05. Review status: criteria provided, single submitter. Criteria: ACMG Guidelines, 2015. Collection method: clinical testing. Allele origin: germline. Affected: yes.
Comment: PM2

Literature cited by the submitters: PubMed 38956129 (cited by Ambry Genetics).